The following is an entry in ClinVar:

NM_004370.6(COL12A1):c.521A>G (p.Glu174Gly)

Gene: COL12A1 (collagen type XII alpha 1 chain; minus strand). Cytogenetic location: 6q13.
Variant type: single nucleotide variant.
Coding change: c.521A>G on transcript NM_004370.6 (MANE Select); coding-DNA position 521, A replaced by G.
Protein change: p.Glu174Gly; replaces glutamic acid 174 with glycine.
Molecular consequence: missense variant. On other transcripts: intron variant (2).
Genome position (GRCh38, 1-based): chr6:75,189,689, T>C on the plus strand (A>G on the coding strand, the complement: COL12A1 is on the minus strand). VCF-style: chr6-75189689-T-C. GRCh37 (hg19) VCF-style: chr6-75899405-T-C.
Other names: c.521A>G, p.Glu174Gly (NM_001424113.1, NM_001424114.1, NM_001424115.1); c.73+13031A>G (NM_001424116.1, NM_080645.3); short protein forms E174G.
Identifiers: ClinVar variation 3763148 (VCV003763148.2).

ClinVar aggregate classification (germline): Uncertain significance (1 of 4 stars; one submission).

Conditions:
Ullrich congenital muscular dystrophy 2 (UCMD2). Identifiers: Orphanet 75840, MedGen C4225314, MONDO:0014654, OMIM 616470.
Bethlem myopathy 2 (BTHLM2). Identifiers: Orphanet 536516, Orphanet 610, MedGen C4225313, MONDO:0034022, OMIM 616471.

Submission:

Labcorp Genetics (formerly Invitae), Labcorp
Classification: Uncertain significance for Bethlem myopathy 2; Ullrich congenital muscular dystrophy 2. Last evaluated: 2024-09-18. Review status: criteria provided, single submitter. Criteria: Invitae Variant Classification Sherloc (09022015). Collection method: clinical testing. Allele origin: germline.
Comment: This sequence change replaces glutamic acid, which is acidic and polar, with glycine, which is neutral and non-polar, at codon 174 of the COL12A1 protein (p.Glu174Gly). This variant is not present in population databases (gnomAD no frequency). This variant has not been reported in the literature in individuals affected with COL12A1-related conditions. Invitae Evidence Modeling of protein sequence and biophysical properties (such as structural, functional, and spatial information, amino acid conservation, physicochemical variation, residue mobility, and thermodynamic stability) indicates that this missense variant is expected to disrupt COL12A1 protein function with a positive predictive value of 80%. In summary, the available evidence is currently insufficient to determine the role of this variant in disease. Therefore, it has been classified as a Variant of Uncertain Significance.